The following is an entry in ClinVar:

ClinVar aggregate classification (germline): Conflicting classifications of pathogenicity. Review status: criteria provided, conflicting classifications (1 of 4 stars). 4 submissions from 4 submitters: Uncertain significance (2); Likely benign (1). 1 of the submissions does not count toward it. Last evaluated 2023-02-23.

Conditions:
LRP2-related disorder. Also called: LRP2-related condition.
Donnai-Barrow syndrome. Also called: DBS/FOAR SYNDROME; FACIOOCULOACOUSTICORENAL SYNDROME. Identifiers: Orphanet 2143, MedGen C1857277, MONDO:0009104, OMIM 222448.

Allele frequency attached by ClinVar (database versions not stated): gnomAD exomes 0.00010 and 0.00028; 1000 Genomes Project 30x 0.00016; gnomAD 0.00019 and 0.00023; 1000 Genomes Project 0.00020; TOPMed 0.00021; ExAC 0.00026.
gnomAD v4.1: 180 of 1,608,212 alleles (0.011%); highest among the groups gnomAD compares: South Asian, 0.13%; no homozygotes.

Submissions (4):

Blueprint Genetics
Classification: Likely benign. Last evaluated: 2023-02-23. Review status: criteria provided, single submitter. Criteria: ACMG Guidelines, 2015. Collection method: clinical testing. Allele origin: germline.

Labcorp Genetics (formerly Invitae), Labcorp
Classification: Uncertain significance. Last evaluated: 2022-08-09. Review status: criteria provided, single submitter. Criteria: Invitae Variant Classification Sherloc (09022015). Collection method: clinical testing. Allele origin: germline.
Comment: This sequence change falls in intron 16 of the LRP2 gene. It does not directly change the encoded amino acid sequence of the LRP2 protein. It affects a nucleotide within the consensus splice site. This variant is present in population databases (rs529050791, gnomAD 0.2%). This variant has not been reported in the literature in individuals affected with LRP2-related conditions. ClinVar contains an entry for this variant (Variation ID: 1032218). Variants that disrupt the consensus splice site are a relatively common cause of aberrant splicing (PMID: 17576681, 9536098). Algorithms developed to predict the effect of sequence changes on RNA splicing suggest that this variant is not likely to affect RNA splicing. In summary, the available evidence is currently insufficient to determine the role of this variant in disease. Therefore, it has been classified as a Variant of Uncertain Significance.

Baylor Genetics
Classification: Uncertain significance for Donnai-Barrow syndrome. Last evaluated: 2018-08-09. Review status: criteria provided, single submitter. Criteria: ACMG Guidelines, 2015. Collection method: clinical testing. Allele origin: unknown. Affected: yes.
Comment: This variant was determined to be of uncertain significance according to ACMG Guidelines, 2015 [PMID:25741868].

PreventionGenetics, part of Exact Sciences
Classification: Likely benign for LRP2-related condition. Last evaluated: 2024-05-19. Review status: no assertion criteria provided. Collection method: clinical testing. Allele origin: germline. Not counted in ClinVar's aggregate classification.
Comment: This variant is classified as likely benign based on ACMG/AMP sequence variant interpretation guidelines (Richards et al. 2015 PMID: 25741868, with internal and published modifications).

Literature cited by the submitters: PubMed 17576681 (cited by Labcorp Genetics (formerly Invitae), Labcorp); PubMed 9536098 (cited by Labcorp Genetics (formerly Invitae), Labcorp).

NM_004525.3(LRP2):c.2321-3T>C

Gene: LRP2 (LDL receptor related protein 2; minus strand). Cytogenetic location: 2q31.1.
Variant type: single nucleotide variant.
Coding change: c.2321-3T>C on transcript NM_004525.3 (MANE Select); 3 bases into the intron before coding-DNA position 2321, T replaced by C.
Molecular consequence: intron variant.
Genome position (GRCh38, 1-based): chr2:169,259,220, A>G on the plus strand (T>C on the coding strand, the complement: LRP2 is on the minus strand). VCF-style: chr2-169259220-A-G. GRCh37 (hg19) VCF-style: chr2-170115730-A-G.
Identifiers: ClinVar variation 1032218 (VCV001032218.6), dbSNP rs529050791, ClinGen allele CA1955318.
Genomic context (GRCh38, chr2:169,259,220, plus strand): 5'-CAATCAAAAGCCAAACTTTCAACATTTTCCACCCTGTTAGCTGCGAGAATTTCTCTTCCT[A>G]TAAGTTAAAATATGGACATATTTTAAGCTAAGTATATTTTGTAAGGCATCAATTTTCCTA-3'